The following is an entry in ClinVar:

ClinVar aggregate classification (germline): Uncertain significance (1 of 4 stars; one submission).

Allele frequency attached by ClinVar (database versions not stated): gnomAD 0.00001.
gnomAD v4.1: 2 of 1,614,020 alleles (0.00012%); highest among the groups gnomAD compares: African/African-American, 0.0027%; no homozygotes.

Submission:

GeneDx
Classification: Uncertain significance. Last evaluated: 2019-04-24. Review status: criteria provided, single submitter. Criteria: GeneDx Variant Classification Process June 2021. Collection method: clinical testing. Allele origin: germline. Affected: yes.
Comment: Not observed at a significant frequency in large population cohorts (Lek et al., 2016); In silico analysis, which includes protein predictors and evolutionary conservation, supports that this variant does not alter protein structure/function; Has not been previously published as pathogenic or benign to our knowledge

NM_000138.5(FBN1):c.2629T>G (p.Ser877Ala)

Gene: FBN1 (fibrillin 1; minus strand). Cytogenetic location: 15q21.1.
Variant type: single nucleotide variant.
Coding change: c.2629T>G on transcript NM_000138.5 (MANE Select); coding-DNA position 2629, T replaced by G.
Protein change: p.Ser877Ala; replaces serine 877 with alanine.
Molecular consequence: missense variant.
Genome position (GRCh38, 1-based): chr15:48,495,171, A>C on the plus strand (T>G on the coding strand, the complement: FBN1 is on the minus strand). VCF-style: chr15-48495171-A-C. GRCh37 (hg19) VCF-style: chr15-48787368-A-C.
Other names: short protein forms S877A.
Identifiers: ClinVar variation 1305278 (VCV001305278.2), dbSNP rs1475934502, ClinGen allele CA392332275.